The following is an entry in ClinVar:

NM_004369.4(COL6A3):c.847G>C (p.Val283Leu)

Gene: COL6A3 (collagen type VI alpha 3 chain; minus strand). Cytogenetic location: 2q37.3.
Variant type: single nucleotide variant.
Coding change: c.847G>C on transcript NM_004369.4 (MANE Select); coding-DNA position 847, G replaced by C.
Protein change: p.Val283Leu; replaces valine 283 with leucine.
Molecular consequence: missense variant. On other transcripts: intron variant (2).
Genome position (GRCh38, 1-based): chr2:237,388,047, C>G on the plus strand (G>C on the coding strand, the complement: COL6A3 is on the minus strand). VCF-style: chr2-237388047-C-G. GRCh37 (hg19) VCF-style: chr2-238296690-C-G.
Other names: c.229G>C, p.Val77Leu (NM_057165.5, NM_057167.4); c.92-6548G>C (NM_057166.5, NM_057164.5); short protein forms V283L, V77L.
Identifiers: ClinVar variation 2132110 (VCV002132110.4), dbSNP rs2469949589, ClinGen allele CA351223518.
Genomic context (GRCh38, chr2:237,388,047, plus strand): 5'-CCTTGGTGGAGTAGGTGTCCAAGGAGAACATGGTTCTGGGCTCATCGCTAAACTGGACCA[C>G]CCCCACTCGGATCTGCTGAGTTCCAATTGGGAGTTTCTCAAGGAGATTTACAAGGAAGTC-3'
Protein context (NP_004360.2, residues 273-293): PIGTQQIRVG[Val283Leu]VQFSDEPRTM

ClinVar aggregate classification (germline): Uncertain significance (1 of 4 stars; one submission).

Conditions:
Bethlem myopathy 1A. Also called: Bethlem Muscular Dystrophy; Bethlem myopathy 1; MYOPATHY, BENIGN CONGENITAL, WITH CONTRACTURES. Identifiers: Orphanet 610, MedGen CN029274, MONDO:0024530, OMIM 158810.

Submission:

Labcorp Genetics (formerly Invitae), Labcorp
Classification: Uncertain significance for Bethlem myopathy 1A. Last evaluated: 2022-04-30. Review status: criteria provided, single submitter. Criteria: Invitae Variant Classification Sherloc (09022015). Collection method: clinical testing. Allele origin: germline.
Comment: In summary, the available evidence is currently insufficient to determine the role of this variant in disease. Therefore, it has been classified as a Variant of Uncertain Significance. Advanced modeling of protein sequence and biophysical properties (such as structural, functional, and spatial information, amino acid conservation, physicochemical variation, residue mobility, and thermodynamic stability) performed at Invitae indicates that this missense variant is not expected to disrupt COL6A3 protein function. This variant has not been reported in the literature in individuals affected with COL6A3-related conditions. This variant is not present in population databases (gnomAD no frequency). This sequence change replaces valine, which is neutral and non-polar, with leucine, which is neutral and non-polar, at codon 283 of the COL6A3 protein (p.Val283Leu).